The following is an entry in ClinVar:

NM_004357.5(CD151):c.560C>T (p.Thr187Met)

Gene: CD151 (CD151 molecule (Raph blood group); plus strand). Cytogenetic location: 11p15.5.
Variant type: single nucleotide variant.
Coding change: c.560C>T on transcript NM_004357.5 (MANE Select); coding-DNA position 560, C replaced by T.
Protein change: p.Thr187Met; replaces threonine 187 with methionine.
Molecular consequence: missense variant.
Genome position (GRCh38, 1-based): chr11:837,563, C>T. VCF-style: chr11-837563-C-T. GRCh37 (hg19) VCF-style: chr11-837563-C-T.
Other names: c.560C>T, p.Thr187Met (NM_001039490.2, NM_139029.2, NM_139030.4); short protein forms T187M.
Identifiers: ClinVar variation 4777217 (VCV004777217.1).

ClinVar aggregate classification (germline): Uncertain significance (1 of 4 stars; one submission).

gnomAD v4.1: 15 of 1,612,974 alleles (0.00093%); highest among the groups gnomAD compares: East Asian, 0.0022%; no homozygotes.

Submission:

Labcorp Genetics (formerly Invitae), Labcorp
Classification: Uncertain significance. Last evaluated: 2025-09-10. Review status: criteria provided, single submitter. Criteria: Invitae Variant Classification Sherloc (09022015). Collection method: clinical testing. Allele origin: germline.
Comment: This sequence change replaces threonine, which is neutral and polar, with methionine, which is neutral and non-polar, at codon 187 of the CD151 protein (p.Thr187Met). This variant is present in population databases (rs760656215, gnomAD 0.003%). This variant has not been reported in the literature in individuals affected with CD151-related conditions. An algorithm developed to predict the effect of missense changes on protein structure and function (PolyPhen-2) suggests that this variant is likely to be disruptive. In summary, the available evidence is currently insufficient to determine the role of this variant in disease. Therefore, it has been classified as a Variant of Uncertain Significance.